The following is an entry in ClinVar:

ClinVar aggregate classification (germline): Uncertain significance (1 of 4 stars; one submission).

gnomAD v4.1: 3 of 1,211,460 alleles (0.00025%); highest among the groups gnomAD compares: Non-Finnish European, 0.00034%; no homozygotes.

Submission:

CeGaT Center for Human Genetics Tuebingen
Classification: Uncertain significance. Last evaluated: 2023-09-01. Review status: criteria provided, single submitter. Criteria: CeGaT Center For Human Genetics Tuebingen Variant Classification Criteria Version 2. Collection method: clinical testing. Allele origin: germline. Affected: yes. Observed: 1 variant allele.
Comment: EBP: PM2

NM_006579.3(EBP):c.154C>G (p.Arg52Gly)

Gene: EBP (EBP cholestenol delta-isomerase; plus strand). Cytogenetic location: Xp11.23.
Variant type: single nucleotide variant.
Coding change: c.154C>G on transcript NM_006579.3 (MANE Select); coding-DNA position 154, C replaced by G.
Protein change: p.Arg52Gly; replaces arginine 52 with glycine.
Molecular consequence: missense variant.
Genome position (GRCh38, 1-based): chrX:48,523,925, C>G. VCF-style: chrX-48523925-C-G. GRCh37 (hg19) VCF-style: chrX-48382313-C-G.
Other names: short protein forms R52G.
Identifiers: ClinVar variation 2660456 (VCV002660456.24), dbSNP rs782775797, ClinGen allele CA412851360.